The following is an entry in ClinVar:

NM_001369369.1(FOXN1):c.494T>C (p.Val165Ala)

Gene: FOXN1 (forkhead box N1; plus strand). Cytogenetic location: 17q11.2.
Variant type: single nucleotide variant.
Coding change: c.494T>C on transcript NM_001369369.1 (MANE Select); coding-DNA position 494, T replaced by C.
Protein change: p.Val165Ala; replaces valine 165 with alanine.
Molecular consequence: missense variant.
Genome position (GRCh38, 1-based): chr17:28,524,873, T>C. VCF-style: chr17-28524873-T-C. GRCh37 (hg19) VCF-style: chr17-26851891-T-C.
Other names: c.494T>C, p.Val165Ala (NM_003593.3); short protein forms V165A.
Identifiers: ClinVar variation 1985467 (VCV001985467.3), dbSNP rs746353853, ClinGen allele CA8459242.

ClinVar aggregate classification (germline): Uncertain significance (1 of 4 stars; one submission).

Conditions:
T-cell immunodeficiency, congenital alopecia, and nail dystrophy. Also called: Congenital alopecia and nail dystrophy associated with severe functional T-cell immunodeficiency; Pignata Guarino syndrome. Identifiers: Orphanet 169095, MedGen C1866426, MONDO:0011132, OMIM 601705.

Allele frequency attached by ClinVar (database versions not stated): TOPMed below 0.00001; ExAC 0.00001.
gnomAD v4.1: 1 of 1,613,662 alleles (0.000062%); no homozygotes.

Submission:

Labcorp Genetics (formerly Invitae), Labcorp
Classification: Uncertain significance for T-cell immunodeficiency, congenital alopecia, and nail dystrophy. Last evaluated: 2025-04-23. Review status: criteria provided, single submitter. Criteria: Invitae Variant Classification Sherloc (09022015). Collection method: clinical testing. Allele origin: germline.
Comment: This sequence change replaces valine, which is neutral and non-polar, with alanine, which is neutral and non-polar, at codon 165 of the FOXN1 protein (p.Val165Ala). This variant is not present in population databases (gnomAD no frequency). This variant has not been reported in the literature in individuals affected with FOXN1-related conditions. ClinVar contains an entry for this variant (Variation ID: 1985467). Invitae Evidence Modeling of protein sequence and biophysical properties (such as structural, functional, and spatial information, amino acid conservation, physicochemical variation, residue mobility, and thermodynamic stability) indicates that this missense variant is not expected to disrupt FOXN1 protein function with a negative predictive value of 80%. In summary, the available evidence is currently insufficient to determine the role of this variant in disease. Therefore, it has been classified as a Variant of Uncertain Significance.